The following is an entry in ClinVar:

NM_001037.5(SCN1B):c.32C>T (p.Ala11Val)

Gene: SCN1B (sodium voltage-gated channel beta subunit 1; plus strand). Cytogenetic location: 19q13.11.
Variant type: single nucleotide variant.
Coding change: c.32C>T on transcript NM_001037.5 (MANE Select); coding-DNA position 32, C replaced by T.
Protein change: p.Ala11Val; replaces alanine 11 with valine.
Molecular consequence: missense variant.
Genome position (GRCh38, 1-based): chr19:35,030,852, C>T. VCF-style: chr19-35030852-C-T. GRCh37 (hg19) VCF-style: chr19-35521756-C-T.
Other names: c.32C>T, p.Ala11Val (NM_199037.5); short protein forms A11V.
Identifiers: ClinVar variation 3438203 (VCV003438203.4).
Genomic context (GRCh38, chr19:35,030,852, plus strand): 5'-GAGGGGGGCGCAGCACGCGCCGCGCAGCCATGGGGAGGCTGCTGGCCTTAGTGGTCGGCG[C>T]GGCACTGGGTGAGTGCGCGGGGGGCGCGCGCGGCCGGGGGGCACCGCGGGGGCACTGGCG-3'
Protein context (NP_001028.1, residues 1-21): MGRLLALVVG[Ala11Val]ALVSSACGGC

ClinVar aggregate classification (germline): Uncertain significance. Review status: criteria provided, multiple submitters, no conflicts (2 of 4 stars). 2 submissions from 2 submitters: Uncertain significance (2). Last evaluated 2025-11-24.

Conditions:
Cardiovascular phenotype. Identifiers: MedGen CN230736.
Brugada syndrome 5 (BRGDA5). Identifiers: Orphanet 130, Orphanet 871, MedGen C2748541, MONDO:0013015, OMIM 612838.

gnomAD v4.1: 4 of 946,386 alleles (0.00042%); highest among the groups gnomAD compares: Non-Finnish European, 0.00053%; no homozygotes.

Submissions (2):

Ambry Genetics
Classification: Uncertain significance for Cardiovascular phenotype. Last evaluated: 2025-11-24. Review status: criteria provided, single submitter. Criteria: Ambry Variant Classification Scheme 2023. Collection method: clinical testing. Allele origin: germline.
Comment: The p.A11V variant (also known as c.32C>T), located in coding exon 1 of the SCN1B gene, results from a C to T substitution at nucleotide position 32. The alanine at codon 11 is replaced by valine, an amino acid with similar properties. This amino acid position is conserved. In addition, the in silico prediction for this alteration is inconclusive. Based on the available evidence, the clinical significance of this variant remains unclear.

Labcorp Genetics (formerly Invitae), Labcorp
Classification: Uncertain significance for Brugada syndrome 5. Last evaluated: 2024-02-05. Review status: criteria provided, single submitter. Criteria: Invitae Variant Classification Sherloc (09022015). Collection method: clinical testing. Allele origin: germline.
Comment: This sequence change replaces alanine, which is neutral and non-polar, with valine, which is neutral and non-polar, at codon 11 of the SCN1B protein (p.Ala11Val). This variant is not present in population databases (gnomAD no frequency). This variant has not been reported in the literature in individuals affected with SCN1B-related conditions. Experimental studies and prediction algorithms are not available or were not evaluated, and the functional significance of this variant is currently unknown. In summary, the available evidence is currently insufficient to determine the role of this variant in disease. Therefore, it has been classified as a Variant of Uncertain Significance.